The following is an entry in ClinVar:

ClinVar aggregate classification (germline): Uncertain significance (1 of 4 stars; one submission).

Conditions:
Hereditary cancer-predisposing syndrome. Also called: Hereditary Cancer Syndrome; Tumor predisposition; Hereditary neoplastic syndrome; Neoplastic Syndromes, Hereditary. Identifiers: Orphanet 140162, MedGen C0027672, MeSH D009386, MONDO:0015356.
Cardiovascular phenotype. Identifiers: MedGen CN230736.

Submission:

Ambry Genetics
Classification: Uncertain significance for Cardiovascular phenotype; Hereditary cancer-predisposing syndrome. Last evaluated: 2024-12-02. Review status: criteria provided, single submitter. Criteria: Ambry Variant Classification Scheme 2023. Collection method: clinical testing. Allele origin: germline.
Comment: The c.195_197dupTAA variant (also known as p.N67dup), located in coding exon 2 of the NF1 gene, results from an in-frame duplication of TAA at nucleotide positions 195 to 197. This results in the duplication of an extra asparagine residue between codons 67 and 68. This amino acid position is highly conserved in available vertebrate species. In addition, the in silico prediction for this alteration is inconclusive (Choi Y et al. PLoS ONE. 2012; 7(10):e46688). Based on the available evidence, the clinical significance of this variant remains unclear.

NM_001042492.3(NF1):c.195_197dup (p.Asn67_Met68insAsn)

Gene: NF1 (neurofibromin 1; plus strand). Cytogenetic location: 17q11.2.
Variant type: Duplication.
Coding change: c.195_197dup on transcript NM_001042492.3 (MANE Select); coding-DNA positions 195 to 197, 3 bases duplicated (TAA; older notation c.195_197dupTAA).
Protein change: p.Asn67_Met68insAsn.
Molecular consequence: inframe insertion. On other transcripts: inframe indel (1).
Genome position (GRCh38, 1-based): chr17:31,156,117-31,156,119, TAA duplicated. VCF-style (leftmost placement, unchanged base first): chr17-31156116-T-TTAA. GRCh37 (hg19) VCF-style: chr17-29483134-T-TTAA.
Other names: c.195_197dup, p.Asn67_Met68insAsn (NM_000267.4, NM_001128147.3); c.195_197dupTAA (NM_000267.3).
Identifiers: ClinVar variation 3404928 (VCV003404928.1).